The following is an entry in ClinVar:

ClinVar aggregate classification (germline): Uncertain significance. Review status: criteria provided, multiple submitters, no conflicts (2 of 4 stars). 2 submissions from 2 submitters: Uncertain significance (2). Last evaluated 2025-01-30.

Conditions:
Intellectual developmental disorder with dysmorphic facies and behavioral abnormalities. Identifiers: MedGen C4748135, MONDO:0060760, OMIM 618089.

Submissions (2):

Revvity Omics, Revvity
Classification: Uncertain significance for Intellectual developmental disorder with dysmorphic facies and behavioral abnormalities. Last evaluated: 2025-01-30. Review status: criteria provided, single submitter. Criteria: ACMG Guidelines, 2015. Collection method: clinical testing. Allele origin: germline.

GeneDx
Classification: Uncertain significance. Last evaluated: 2019-09-12. Review status: criteria provided, single submitter. Criteria: GeneDx Variant Classification Process June 2021. Collection method: clinical testing. Allele origin: germline. Affected: yes.
Comment: Not observed in large population cohorts (Lek et al., 2016); In silico analysis, which includes protein predictors and evolutionary conservation, supports a deleterious effect; Has not been previously published as pathogenic or benign to our knowledge

NM_001190274.2(FBXO11):c.1400G>A (p.Gly467Asp)

Gene: FBXO11 (F-box protein 11; minus strand). Cytogenetic location: 2p16.3.
Variant type: single nucleotide variant.
Coding change: c.1400G>A on transcript NM_001190274.2 (MANE Select); coding-DNA position 1400, G replaced by A.
Protein change: p.Gly467Asp; replaces glycine 467 with aspartic acid.
Molecular consequence: missense variant.
Genome position (GRCh38, 1-based): chr2:47,823,359, C>T on the plus strand (G>A on the coding strand, the complement: FBXO11 is on the minus strand). VCF-style: chr2-47823359-C-T. GRCh37 (hg19) VCF-style: chr2-48050498-C-T.
Other names: c.1148G>A, p.Gly383Asp (NM_001374325.1, NM_025133.4); short protein forms G383D, G467D.
Identifiers: ClinVar variation 1312225 (VCV001312225.3), dbSNP rs2104739734, ClinGen allele CA346765143.